The following is an entry in ClinVar:

ClinVar aggregate classification (germline): Uncertain significance (1 of 4 stars; one submission).

Conditions:
Parathyroid carcinoma (PRTC). Also called: CDC73-Related Parathyroid Carcinoma; Parathyroid gland carcinoma. Identifiers: Orphanet 143, MedGen C0687150, MONDO:0012004, OMIM 608266, HP:0006780.

Submission:

Labcorp Genetics (formerly Invitae), Labcorp
Classification: Uncertain significance for Parathyroid carcinoma. Last evaluated: 2024-08-20. Review status: criteria provided, single submitter. Criteria: Invitae Variant Classification Sherloc (09022015). Collection method: clinical testing. Allele origin: germline.
Comment: This sequence change replaces proline, which is neutral and non-polar, with serine, which is neutral and polar, at codon 487 of the CDC73 protein (p.Pro487Ser). This variant is not present in population databases (gnomAD no frequency). This variant has not been reported in the literature in individuals affected with CDC73-related conditions. Invitae Evidence Modeling of protein sequence and biophysical properties (such as structural, functional, and spatial information, amino acid conservation, physicochemical variation, residue mobility, and thermodynamic stability) indicates that this missense variant is not expected to disrupt CDC73 protein function with a negative predictive value of 80%. In summary, the available evidence is currently insufficient to determine the role of this variant in disease. Therefore, it has been classified as a Variant of Uncertain Significance.

NM_024529.5(CDC73):c.1459C>T (p.Pro487Ser)

Gene: CDC73 (cell division cycle 73; plus strand). Cytogenetic location: 1q31.2.
Variant type: single nucleotide variant.
Coding change: c.1459C>T on transcript NM_024529.5 (MANE Select); coding-DNA position 1459, C replaced by T.
Protein change: p.Pro487Ser; replaces proline 487 with serine.
Molecular consequence: missense variant.
Genome position (GRCh38, 1-based): chr1:193,249,771, C>T. VCF-style: chr1-193249771-C-T. GRCh37 (hg19) VCF-style: chr1-193218901-C-T.
Other names: short protein forms P487S.
Identifiers: ClinVar variation 3662974 (VCV003662974.2).